The following is an entry in ClinVar:

ClinVar aggregate classification (germline): Uncertain significance (1 of 4 stars; one submission).

Conditions:
Hereditary cancer-predisposing syndrome. Also called: Neoplastic Syndromes, Hereditary; Tumor predisposition; Hereditary Cancer Syndrome; Hereditary neoplastic syndrome. Identifiers: Orphanet 140162, MedGen C0027672, MeSH D009386, MONDO:0015356.

Submission:

Ambry Genetics
Classification: Uncertain significance for Hereditary cancer-predisposing syndrome. Last evaluated: 2025-09-20. Review status: criteria provided, single submitter. Criteria: Ambry Variant Classification Scheme 2023. Collection method: clinical testing. Allele origin: germline.
Comment: The p.F677L variant (also known as c.2029T>C), located in coding exon 11 of the ALK gene, results from a T to C substitution at nucleotide position 2029. The phenylalanine at codon 677 is replaced by leucine, an amino acid with highly similar properties. This amino acid position is conserved. In addition, this alteration is predicted to be tolerated by in silico analysis. Based on the available evidence, the clinical significance of this variant remains unclear.

NM_004304.5(ALK):c.2029T>C (p.Phe677Leu)

Gene: ALK (ALK receptor tyrosine kinase; minus strand). Cytogenetic location: 2p23.2.
Variant type: single nucleotide variant.
Coding change: c.2029T>C on transcript NM_004304.5 (MANE Select); coding-DNA position 2029, T replaced by C.
Protein change: p.Phe677Leu; replaces phenylalanine 677 with leucine.
Molecular consequence: missense variant.
Genome position (GRCh38, 1-based): chr2:29,275,111, A>G on the plus strand (T>C on the coding strand, the complement: ALK is on the minus strand). VCF-style: chr2-29275111-A-G. GRCh37 (hg19) VCF-style: chr2-29497977-A-G.
Other names: short protein forms F677L.
Identifiers: ClinVar variation 4671468 (VCV004671468.1).